The following is an entry in ClinVar:

NM_000037.4(ANK1):c.72C>G (p.Asn24Lys)

Gene: ANK1 (ankyrin 1; minus strand). Cytogenetic location: 8p11.21.
Variant type: single nucleotide variant.
Coding change: c.72C>G on transcript NM_000037.4 (MANE Select); coding-DNA position 72, C replaced by G.
Protein change: p.Asn24Lys; replaces asparagine 24 with lysine.
Molecular consequence: missense variant.
Genome position (GRCh38, 1-based): chr8:41,758,093, G>C on the plus strand (C>G on the coding strand, the complement: ANK1 is on the minus strand). VCF-style: chr8-41758093-G-C. GRCh37 (hg19) VCF-style: chr8-41615611-G-C.
Other names: c.171C>G, p.Asn57Lys (NM_001142446.2); c.72C>G, p.Asn24Lys (NM_020475.3, NM_020476.3, NM_020477.3); short protein forms N57K, N24K.
Identifiers: ClinVar variation 2754483 (VCV002754483.3), dbSNP rs2487161202, ClinGen allele CA371054131.

ClinVar aggregate classification (germline): Uncertain significance (1 of 4 stars; one submission).

Submission:

Labcorp Genetics (formerly Invitae), Labcorp
Classification: Uncertain significance. Last evaluated: 2023-08-23. Review status: criteria provided, single submitter. Criteria: Invitae Variant Classification Sherloc (09022015). Collection method: clinical testing. Allele origin: germline.
Comment: In summary, the available evidence is currently insufficient to determine the role of this variant in disease. Therefore, it has been classified as a Variant of Uncertain Significance. Algorithms developed to predict the effect of sequence changes on RNA splicing suggest that this variant may disrupt the consensus splice site. Advanced modeling of protein sequence and biophysical properties (such as structural, functional, and spatial information, amino acid conservation, physicochemical variation, residue mobility, and thermodynamic stability) performed at Invitae indicates that this missense variant is not expected to disrupt ANK1 protein function. This variant has not been reported in the literature in individuals affected with ANK1-related conditions. This variant is not present in population databases (gnomAD no frequency). This sequence change replaces asparagine, which is neutral and polar, with lysine, which is basic and polar, at codon 24 of the ANK1 protein (p.Asn24Lys).